The following is an entry in ClinVar:

ClinVar aggregate classification (germline): Uncertain significance (1 of 4 stars; one submission).

Submission:

Labcorp Genetics (formerly Invitae), Labcorp
Classification: Uncertain significance. Last evaluated: 2022-01-26. Review status: criteria provided, single submitter. Criteria: Invitae Variant Classification Sherloc (09022015). Collection method: clinical testing. Allele origin: germline.
Comment: This sequence change replaces proline, which is neutral and non-polar, with serine, which is neutral and polar, at codon 295 of the PDZD7 protein (p.Pro295Ser). This variant is not present in population databases (gnomAD no frequency). This variant has not been reported in the literature in individuals affected with PDZD7-related conditions. Algorithms developed to predict the effect of missense changes on protein structure and function are either unavailable or do not agree on the potential impact of this missense change (SIFT: "Deleterious"; PolyPhen-2: "Not Available"; Align-GVGD: "Class C65"). In summary, the available evidence is currently insufficient to determine the role of this variant in disease. Therefore, it has been classified as a Variant of Uncertain Significance.

NM_001195263.2(PDZD7):c.883C>T (p.Pro295Ser)

Gene: PDZD7 (PDZ domain containing 7; minus strand). Cytogenetic location: 10q24.31.
Variant type: single nucleotide variant.
Coding change: c.883C>T on transcript NM_001195263.2 (MANE Select); coding-DNA position 883, C replaced by T.
Protein change: p.Pro295Ser; replaces proline 295 with serine.
Molecular consequence: missense variant.
Genome position (GRCh38, 1-based): chr10:101,020,663, G>A on the plus strand (C>T on the coding strand, the complement: PDZD7 is on the minus strand). VCF-style: chr10-101020663-G-A. GRCh37 (hg19) VCF-style: chr10-102780420-G-A.
Other names: c.883C>T, p.Pro295Ser (NM_001351044.2, NM_024895.5); short protein forms P295S.
Identifiers: ClinVar variation 2089563 (VCV002089563.4), dbSNP rs2492916016, ClinGen allele CA378229377.